The following is an entry in ClinVar:

NM_000135.4(FANCA):c.262A>T (p.Asn88Tyr)

Gene: FANCA (FA complementation group A; minus strand). Cytogenetic location: 16q24.3.
Variant type: single nucleotide variant.
Coding change: c.262A>T on transcript NM_000135.4 (MANE Select); coding-DNA position 262, A replaced by T.
Protein change: p.Asn88Tyr; replaces asparagine 88 with tyrosine.
Molecular consequence: missense variant.
Genome position (GRCh38, 1-based): chr16:89,814,541, T>A on the plus strand (A>T on the coding strand, the complement: FANCA is on the minus strand). VCF-style: chr16-89814541-T-A. GRCh37 (hg19) VCF-style: chr16-89880949-T-A.
Other names: c.262A>T, p.Asn88Tyr (NM_001018112.3, NM_001286167.3, NM_001351830.2); short protein forms N88Y.
Identifiers: ClinVar variation 971771 (VCV000971771.8), dbSNP rs913466405, ClinGen allele CA397482461.

ClinVar aggregate classification (germline): Uncertain significance. Review status: criteria provided, multiple submitters, no conflicts (2 of 4 stars). 3 submissions from 3 submitters: Uncertain significance (2). 1 of the submissions does not count toward it. Last evaluated 2025-01-19.

Conditions:
Fanconi anemia (FA). Also called: Fanconi's anemia. Identifiers: Orphanet 84, MedGen C0015625, MeSH D005199, MONDO:0019391.
FANCA-related disorder. Also called: FANCA-related condition.
Inborn genetic diseases. Identifiers: MedGen C0950123, MeSH D030342.

Allele frequency attached by ClinVar (database versions not stated): gnomAD exomes below 0.00001.
gnomAD v4.1: 7 of 1,613,096 alleles (0.00043%); highest among the groups gnomAD compares: South Asian, 0.0011%; no homozygotes.

Submissions (3):

Ambry Genetics
Classification: Uncertain significance for Inborn genetic diseases. Last evaluated: 2025-01-19. Review status: criteria provided, single submitter. Criteria: Ambry Variant Classification Scheme 2023. Collection method: clinical testing. Allele origin: germline.
Comment: The p.N88Y variant (also known as c.262A>T), located in coding exon 3 of the FANCA gene, results from an A to T substitution at nucleotide position 262. The asparagine at codon 88 is replaced by tyrosine, an amino acid with dissimilar properties. This amino acid position is conserved. In addition, this alteration is predicted to be tolerated by in silico analysis. Based on the available evidence, the clinical significance of this variant remains unclear.

Labcorp Genetics (formerly Invitae), Labcorp
Classification: Uncertain significance for Fanconi anemia. Last evaluated: 2021-08-27. Review status: criteria provided, single submitter. Criteria: Invitae Variant Classification Sherloc (09022015). Collection method: clinical testing. Allele origin: germline.
Comment: This sequence change replaces asparagine with tyrosine at codon 88 of the FANCA protein (p.Asn88Tyr). The asparagine residue is weakly conserved and there is a large physicochemical difference between asparagine and tyrosine. This variant is not present in population databases (ExAC no frequency). This variant has not been reported in the literature in individuals affected with FANCA-related conditions. Algorithms developed to predict the effect of missense changes on protein structure and function are either unavailable or do not agree on the potential impact of this missense change (SIFT: "Tolerated"; PolyPhen-2: "Possibly Damaging"; Align-GVGD: "Class C0"). In summary, the available evidence is currently insufficient to determine the role of this variant in disease. Therefore, it has been classified as a Variant of Uncertain Significance.

PreventionGenetics, part of Exact Sciences
Classification: Uncertain significance for FANCA-related condition. Last evaluated: 2024-07-29. Review status: no assertion criteria provided. Collection method: clinical testing. Allele origin: germline. Not counted in ClinVar's aggregate classification.
Comment: The FANCA c.262A>T variant is predicted to result in the amino acid substitution p.Asn88Tyr. To our knowledge, this variant has not been reported in the literature. This variant is reported in 0.00088% of alleles in individuals of European (Non-Finnish) descent in gnomAD. This variant is interpreted as uncertain significance in ClinVar. At this time, the clinical significance of this variant is uncertain due to the absence of conclusive functional and genetic evidence.